The following is an entry in ClinVar:

ClinVar aggregate classification (germline): Uncertain significance. Review status: criteria provided, multiple submitters, no conflicts (2 of 4 stars). 2 submissions from 2 submitters: Uncertain significance (2). Last evaluated 2025-10-15.

Conditions:
Inborn genetic diseases. Identifiers: MedGen C0950123, MeSH D030342.

gnomAD v4.1: 2 of 1,613,768 alleles (0.00012%); highest among the groups gnomAD compares: Admixed American, 0.0033%; no homozygotes.

Submissions (2):

Labcorp Genetics (formerly Invitae), Labcorp
Classification: Uncertain significance. Last evaluated: 2025-10-15. Review status: criteria provided, single submitter. Criteria: Invitae Variant Classification Sherloc (09022015). Collection method: clinical testing. Allele origin: germline.
Comment: This sequence change replaces asparagine, which is neutral and polar, with aspartic acid, which is acidic and polar, at codon 826 of the TRAPPC9 protein (p.Asn826Asp). This variant is not present in population databases (gnomAD no frequency). This variant has not been reported in the literature in individuals affected with TRAPPC9-related conditions. ClinVar contains an entry for this variant (Variation ID: 3460975). An algorithm developed to predict the effect of missense changes on protein structure and function (PolyPhen-2) suggests that this variant is likely to be disruptive. In summary, the available evidence is currently insufficient to determine the role of this variant in disease. Therefore, it has been classified as a Variant of Uncertain Significance.

Ambry Genetics
Classification: Uncertain significance for Inborn genetic diseases. Last evaluated: 2024-12-10. Review status: criteria provided, single submitter. Criteria: Ambry Variant Classification Scheme 2023. Collection method: clinical testing. Allele origin: germline.

NM_001160372.4(TRAPPC9):c.2182A>G (p.Asn728Asp)

Gene: TRAPPC9 (trafficking protein particle complex subunit 9; minus strand). Cytogenetic location: 8q24.3.
Variant type: single nucleotide variant.
Coding change: c.2182A>G on transcript NM_001160372.4 (MANE Select); coding-DNA position 2182, A replaced by G.
Protein change: p.Asn728Asp; replaces asparagine 728 with aspartic acid.
Molecular consequence: missense variant. On other transcripts: non-coding transcript variant (1).
Genome position (GRCh38, 1-based): chr8:140,275,754, T>C on the plus strand (A>G on the coding strand, the complement: TRAPPC9 is on the minus strand). VCF-style: chr8-140275754-T-C. GRCh37 (hg19) VCF-style: chr8-141285853-T-C.
Other names: c.2155A>G, p.Asn719Asp (NM_001321646.2); c.2203A>G, p.Asn735Asp (NM_001374682.1); c.2182A>G, p.Asn728Asp (NM_001374683.1, NM_031466.8); c.2038A>G, p.Asn680Asp (NM_001374684.1); short protein forms N735D, N680D, N719D, N728D.
Identifiers: ClinVar variation 3460975 (VCV003460975.2).